The following is an entry in ClinVar:

ClinVar aggregate classification (germline): Pathogenic/Likely pathogenic. Review status: criteria provided, multiple submitters, no conflicts (2 of 4 stars). 6 submissions from 5 submitters: Pathogenic (2); Likely pathogenic (2). 2 of the submissions do not count toward it. Last evaluated 2025-12-21.

Conditions:
Gaucher disease. Also called: Acute cerebral Gaucher disease; Cerebroside lipidosis syndrome; Gaucher splenomegaly; Sphingolipidosis 1; Glucocerebrosidosis; Glucosylceramidase deficiency. Identifiers: Orphanet 355, MedGen C0017205, MONDO:0018150.
Gaucher disease type I (GD1). Also called: GAUCHER DISEASE, NONCEREBRAL JUVENILE; GBA DEFICIENCY; GD I; GLUCOCEREBROSIDASE DEFICIENCY; ACID BETA-GLUCOSIDASE DEFICIENCY; GD 1. Identifiers: Orphanet 355, Orphanet 77259, MedGen C1961835, MONDO:0009265, OMIM 230800.
Gaucher disease type III. Also called: GAUCHER DISEASE, CHRONIC NEURONOPATHIC TYPE; GAUCHER DISEASE, JUVENILE AND ADULT, CEREBRAL; GAUCHER DISEASE, SUBACUTE NEURONOPATHIC TYPE; GD III; Gaucher Disease, Type 3; Type 3 Gaucher disease (Subacute; Juvenile). Identifiers: Orphanet 355, Orphanet 77261, MedGen C0268251, MONDO:0009267, OMIM 231000.

Allele frequency attached by ClinVar (database versions not stated): gnomAD exomes below 0.00001.
gnomAD v4.1: 1 of 1,614,118 alleles (0.000062%); highest among the groups gnomAD compares: Non-Finnish European, 0.000085%; no homozygotes.

Submissions (6):

Natera, Inc.
Classification: Likely pathogenic for Gaucher disease. Last evaluated: 2025-12-21. Review status: criteria provided, single submitter. Criteria: Natera Variant Classification Schema (03/2026). Collection method: clinical testing. Allele origin: germline.
Comment: The c.354G>C variant in GBA1 is a missense variant predicted to cause substitution of lysine to asparagine at amino acid 118. This variant is rare in the general population with a frequency below the threshold expected for the associated phenotype(s). This variant has been observed in one or more individuals affected with the associated recessive disease, as either homozygous or compound heterozygous with a second variant (PMID: 12791040, 12476451). Functional studies show that this variant may disrupt protein function (PMID: 16293621). Computational prediction algorithms indicate this variant is likely to affect gene or protein function. Given the available evidence, this variant is classified as Likely Pathogenic.

Women's Health and Genetics/Laboratory Corporation of America, LabCorp
Classification: Pathogenic for Gaucher disease. Last evaluated: 2022-07-20. Review status: criteria provided, single submitter. Criteria: LabCorp Variant Classification Summary - May 2015. Collection method: clinical testing. Allele origin: germline.
Comment: Variant summary: GBA c.354G>C (p.Lys118Asn) results in a non-conservative amino acid change located in the Glycosyl hydrolase family 30, TIM-barrel domain of the encoded protein sequence. Four of five in-silico tools predict a damaging effect of the variant on protein function. The variant was absent in 251482 control chromosomes. c.354G>C has been reported in the literature in individuals affected with Gaucher Disease (Beutler_1996, Koprivica_2000, Zhao_2003). These data indicate that the variant is likely to be associated with disease. At least one publication reports experimental evidence evaluating an impact on protein function. The most pronounced variant effect results in <10% of normal activity (LIou_2006). One clinical diagnostic laboratory has submitted clinical-significance assessments for this variant to ClinVar after 2014 without evidence for independent evaluation and classified the variant as likely pathogenic. Based on the evidence outlined above, the variant was classified as pathogenic.

Revvity Omics, Revvity
Classification: Likely pathogenic. Last evaluated: 2019-07-06. Review status: criteria provided, single submitter. Criteria: ACMG Guidelines, 2015. Collection method: clinical testing. Allele origin: germline.

Eurofins Ntd Llc (ga)
Classification: Pathogenic. Last evaluated: 2013-01-29. Review status: criteria provided, single submitter. Criteria: EGL Classification Definitions. Collection method: clinical testing. Allele origin: germline. Observed: 2 variant alleles, 2 heterozygotes.

OMIM
Classification: Pathogenic for GAUCHER DISEASE, TYPE I. Last evaluated: 2003-01-01. Review status: no assertion criteria provided. Collection method: literature only. Allele origin: germline. Not counted in ClinVar's aggregate classification.

OMIM
Classification: Pathogenic for GAUCHER DISEASE, TYPE III. Last evaluated: 2003-01-01. Review status: no assertion criteria provided. Collection method: literature only. Allele origin: germline. Not counted in ClinVar's aggregate classification.

Literature cited by the submitters: PubMed 12791040 (cited by Natera, Inc.); PubMed 12476451 (cited by 3 submitters); PubMed 16293621 (cited by Natera, Inc. and Women's Health and Genetics/Laboratory Corporation of America, LabCorp); PubMed 10796875 (cited by Women's Health and Genetics/Laboratory Corporation of America, LabCorp); PubMed 8774051 (cited by Women's Health and Genetics/Laboratory Corporation of America, LabCorp).

NM_000157.4(GBA1):c.354G>C (p.Lys118Asn)

Genes: GBA1 (glucosylceramidase beta 1; minus strand), LOC106627981 (GBA recombination region; plus strand). Cytogenetic location: 1q22.
Variant type: single nucleotide variant.
Coding change: c.354G>C on transcript NM_000157.4 (MANE Select); coding-DNA position 354, G replaced by C.
Protein change: p.Lys118Asn; replaces lysine 118 with asparagine.
Molecular consequence: missense variant. On other transcripts: intron variant (1).
Genome position (GRCh38, 1-based): chr1:155,239,716, C>G on the plus strand (G>C on the coding strand, the complement: GBA1 is on the minus strand). VCF-style: chr1-155239716-C-G. GRCh37 (hg19) VCF-style: chr1-155209507-C-G.
Other names: K79N; c.354G>C (NM_000157.3); c.354G>C, p.Lys118Asn (NM_001005741.3, NM_001005742.3); c.93G>C, p.Lys31Asn (NM_001171811.2); c.307+170G>C (NM_001171812.2); short protein forms K118N, K31N.
Identifiers: ClinVar variation 4330 (VCV000004330.12), dbSNP rs121908312, ClinGen allele CA221396.